The following is an entry in ClinVar:

NM_015404.4(WHRN):c.179A>G (p.His60Arg)

Gene: WHRN (whirlin; minus strand). Cytogenetic location: 9q32.
Variant type: single nucleotide variant.
Coding change: c.179A>G on transcript NM_015404.4 (MANE Select); coding-DNA position 179, A replaced by G.
Protein change: p.His60Arg; replaces histidine 60 with arginine.
Molecular consequence: missense variant.
Genome position (GRCh38, 1-based): chr9:114,504,623, T>C on the plus strand (A>G on the coding strand, the complement: WHRN is on the minus strand). VCF-style: chr9-114504623-T-C. GRCh37 (hg19) VCF-style: chr9-117266903-T-C.
Other names: c.179A>G, p.His60Arg (NM_001173425.2); short protein forms H60R.
Identifiers: ClinVar variation 1482700 (VCV001482700.6), dbSNP rs773260450, ClinGen allele CA5206347.

ClinVar aggregate classification (germline): Uncertain significance (1 of 4 stars; one submission).

Allele frequency attached by ClinVar (database versions not stated): gnomAD exomes 0.00001 and 0.00003; TOPMed 0.00001; gnomAD 0.00002 and 0.00003; ExAC 0.00004.
gnomAD v4.1: 24 of 1,609,920 alleles (0.0015%); highest among the groups gnomAD compares: South Asian, 0.013%; no homozygotes.

Submission:

Labcorp Genetics (formerly Invitae), Labcorp
Classification: Uncertain significance. Last evaluated: 2022-07-12. Review status: criteria provided, single submitter. Criteria: Invitae Variant Classification Sherloc (09022015). Collection method: clinical testing. Allele origin: germline.
Comment: In summary, the available evidence is currently insufficient to determine the role of this variant in disease. Therefore, it has been classified as a Variant of Uncertain Significance. Algorithms developed to predict the effect of missense changes on protein structure and function are either unavailable or do not agree on the potential impact of this missense change (SIFT: "Tolerated"; PolyPhen-2: "Probably Damaging"; Align-GVGD: "Class C0"). ClinVar contains an entry for this variant (Variation ID: 1482700). This variant has not been reported in the literature in individuals affected with WHRN-related conditions. This variant is present in population databases (rs773260450, gnomAD 0.01%). This sequence change replaces histidine, which is basic and polar, with arginine, which is basic and polar, at codon 60 of the WHRN protein (p.His60Arg).